The following is an entry in ClinVar:

ClinVar aggregate classification (germline): Uncertain significance (1 of 4 stars; one submission).

Submission:

Women's Health and Genetics/Laboratory Corporation of America, LabCorp
Classification: Uncertain significance. Last evaluated: 2024-07-08. Review status: criteria provided, single submitter. Criteria: LabCorp Variant Classification Summary - May 2015. Collection method: clinical testing. Allele origin: germline.
Comment: Variant summary: RMRP n.194G>T alters a nucleotide in the non-coding RNA. The variant was absent in 130340 control chromosomes (gnomAD). The available data on variant occurrences in the general population are insufficient to allow any conclusion about variant significance. To our knowledge, no occurrence of n.194G>T in individuals affected with Cartilage-Hair Hypoplasia and no experimental evidence demonstrating its impact on protein function have been reported. No submitters have cited clinical-significance assessments for this variant to ClinVar. Based on the evidence outlined above, the variant was classified as uncertain significance.

NR_003051.4(RMRP):n.195G>T

Gene: RMRP (RNA component of mitochondrial RNA processing endoribonuclease; minus strand). Cytogenetic location: 9p13.3.
Variant type: single nucleotide variant.
Molecular consequence: non-coding transcript variant (on NR_003051.4).
Genome position: GRCh38 VCF-style: chr9-35657825-C-A. GRCh37 (hg19) VCF-style: chr9-35657822-C-A.
Identifiers: ClinVar variation 3339048 (VCV003339048.1).